The following is an entry in ClinVar:

NM_139319.3(SLC17A8):c.1298-5T>A

Gene: SLC17A8 (solute carrier family 17 member 8; plus strand). Cytogenetic location: 12q23.1.
Variant type: single nucleotide variant.
Coding change: c.1298-5T>A on transcript NM_139319.3 (MANE Select); 5 bases into the intron before coding-DNA position 1298, T replaced by A.
Molecular consequence: intron variant.
Genome position (GRCh38, 1-based): chr12:100,418,024, T>A. VCF-style: chr12-100418024-T-A. GRCh37 (hg19) VCF-style: chr12-100811802-T-A.
Other names: c.1148-5T>A (NM_001145288.2).
Identifiers: ClinVar variation 1879242 (VCV001879242.29), dbSNP rs2500330064, ClinGen allele CA2580085601.
Genomic context (GRCh38, chr12:100,418,024, plus strand): 5'-ATTTTCCAAAGCATATTTGAAATTCTGTTCTTGACTCTGATTTTGAGGTTTTGGCTTCAC[T>A]GTAGGTTTTAATGTCAACCACCTGGACATTGCCCCACGCTATGCCAGCATTCTCATGGGG-3'

ClinVar aggregate classification (germline): Uncertain significance (1 of 4 stars; one submission).

Submission:

CeGaT Center for Human Genetics Tuebingen
Classification: Uncertain significance. Last evaluated: 2022-11-01. Review status: criteria provided, single submitter. Criteria: CeGaT Center For Human Genetics Tuebingen Variant Classification Criteria Version 2. Collection method: clinical testing. Allele origin: germline. Affected: yes. Observed: 1 variant allele.
Comment: SLC17A8: PM2, PP3